The following is an entry in ClinVar:

NM_018975.4(TERF2IP):c.1104A>G (p.Ile368Met)

Gene: TERF2IP (TERF2 interacting protein; plus strand). Cytogenetic location: 16q23.1.
Variant type: single nucleotide variant.
Coding change: c.1104A>G on transcript NM_018975.4 (MANE Select); coding-DNA position 1104, A replaced by G.
Protein change: p.Ile368Met; replaces isoleucine 368 with methionine.
Molecular consequence: missense variant. On other transcripts: non-coding transcript variant (1).
Genome position (GRCh38, 1-based): chr16:75,656,515, A>G. VCF-style: chr16-75656515-A-G. GRCh37 (hg19) VCF-style: chr16-75690413-A-G.
Other names: short protein forms I368M.
Identifiers: ClinVar variation 1793161 (VCV001793161.3), dbSNP rs1331316282, ClinGen allele CA396820268.

ClinVar aggregate classification (germline): Uncertain significance. Review status: criteria provided, multiple submitters, no conflicts (2 of 4 stars). 2 submissions from 2 submitters: Uncertain significance (2). Last evaluated 2025-07-29.

Allele frequency attached by ClinVar (database versions not stated): gnomAD exomes below 0.00001.
gnomAD v4.1: 2 of 1,614,250 alleles (0.00012%); highest among the groups gnomAD compares: Admixed American, 0.0033%; no homozygotes.

Submissions (2):

Labcorp Genetics (formerly Invitae), Labcorp
Classification: Uncertain significance. Last evaluated: 2025-07-29. Review status: criteria provided, single submitter. Criteria: Invitae Variant Classification Sherloc (09022015). Collection method: clinical testing. Allele origin: germline.
Comment: This sequence change replaces isoleucine, which is neutral and non-polar, with methionine, which is neutral and non-polar, at codon 368 of the TERF2IP protein (p.Ile368Met). The frequency data for this variant in the population databases is considered unreliable, as metrics indicate poor data quality at this position in the gnomAD database. This variant has not been reported in the literature in individuals affected with TERF2IP-related conditions. ClinVar contains an entry for this variant (Variation ID: 1793161). An algorithm developed to predict the effect of missense changes on protein structure and function (PolyPhen-2) suggests that this variant is likely to be tolerated. In summary, the available evidence is currently insufficient to determine the role of this variant in disease. Therefore, it has been classified as a Variant of Uncertain Significance.

Ambry Genetics
Classification: Uncertain significance. Last evaluated: 2022-10-27. Review status: criteria provided, single submitter. Criteria: Ambry Variant Classification Scheme 2023. Collection method: clinical testing. Allele origin: germline.
Comment: The p.I368M variant (also known as c.1104A>G), located in coding exon 3 of the TERF2IP gene, results from an A to G substitution at nucleotide position 1104. The isoleucine at codon 368 is replaced by methionine, an amino acid with highly similar properties. This amino acid position is conserved. In addition, this alteration is predicted to be tolerated by in silico analysis. Since supporting evidence is limited at this time, the clinical significance of this alteration remains unclear.